The following is an entry in ClinVar:

NM_020529.3(NFKBIA):c.538A>G (p.Asn180Asp)

Gene: NFKBIA (NFKB inhibitor alpha; minus strand). Cytogenetic location: 14q13.2.
Variant type: single nucleotide variant.
Coding change: c.538A>G on transcript NM_020529.3 (MANE Select); coding-DNA position 538, A replaced by G.
Protein change: p.Asn180Asp; replaces asparagine 180 with aspartic acid.
Molecular consequence: missense variant.
Genome position (GRCh38, 1-based): chr14:35,403,159, T>C on the plus strand (A>G on the coding strand, the complement: NFKBIA is on the minus strand). VCF-style: chr14-35403159-T-C. GRCh37 (hg19) VCF-style: chr14-35872365-T-C.
Other names: short protein forms N180D.
Identifiers: ClinVar variation 4771012 (VCV004771012.1).

ClinVar aggregate classification (germline): Uncertain significance (1 of 4 stars; one submission).

Conditions:
Ectodermal dysplasia and immunodeficiency 2. Identifiers: Orphanet 238468, Orphanet 98813, MedGen C2677481, MONDO:0012806, OMIM 612132.

Submission:

Labcorp Genetics (formerly Invitae), Labcorp
Classification: Uncertain significance for Ectodermal dysplasia and immunodeficiency 2. Last evaluated: 2025-07-23. Review status: criteria provided, single submitter. Criteria: Invitae Variant Classification Sherloc (09022015). Collection method: clinical testing. Allele origin: germline.
Comment: This sequence change replaces asparagine, which is neutral and polar, with aspartic acid, which is acidic and polar, at codon 180 of the NFKBIA protein (p.Asn180Asp). This variant is not present in population databases (gnomAD no frequency). This variant has not been reported in the literature in individuals affected with NFKBIA-related conditions. An algorithm developed to predict the effect of missense changes on protein structure and function (PolyPhen-2) suggests that this variant is likely to be disruptive. In summary, the available evidence is currently insufficient to determine the role of this variant in disease. Therefore, it has been classified as a Variant of Uncertain Significance.